The following is an entry in ClinVar:

ClinVar aggregate classification (germline): Pathogenic (1 of 4 stars; one submission).

Conditions:
Polycystic kidney disease, adult type (PKD1). Also called: Polycystic Kidney Disease 1, Autosomal Dominant; POLYCYSTIC KIDNEY DISEASE, ADULT, TYPE I; Polycystic kidney disease 1; Polycystic kidney disease 1, severe; POLYCYSTIC KIDNEY DISEASE 1 WITH OR WITHOUT POLYCYSTIC LIVER DISEASE; Polycystic Kidney, Autosomal Dominant. Identifiers: MedGen C3149841, MONDO:0008263, OMIM 173900.

Submission:

MVZ Medizinische Genetik Mainz
Classification: Pathogenic for Polycystic kidney disease, adult type. Last evaluated: 2026-09-24. Review status: criteria provided, single submitter. Criteria: UK Practice Guidelines For Variant Classification V4 01 2020. Collection method: clinical testing. Allele origin: germline. Inheritance: Autosomal dominant inheritance. Affected: yes. Observed: 1 variant allele.
Comment: ACMG Criteria: PVS1,PM2_SUP,PP4

NM_001009944.3(PKD1):c.1932del (p.Arg645fs)

Gene: PKD1 (polycystin 1, transient receptor potential channel interacting; minus strand). Cytogenetic location: 16p13.3.
Variant type: Deletion.
Coding change: c.1932del on transcript NM_001009944.3 (MANE Select); coding-DNA position 1932, one base deleted (A; older notation c.1932delA).
Protein change: p.Arg645fs; shifts the reading frame from arginine 645.
Molecular consequence: frameshift variant.
Genome position (GRCh38, 1-based): chr16:2,115,543, T deleted on the plus strand (A on the coding strand, the reverse complement: PKD1 is on the minus strand). VCF-style (leftmost placement, unchanged base first): chr16-2115542-GT-G. GRCh37 (hg19) VCF-style: chr16-2165543-GT-G.
Other names: c.1932del, p.Arg645fs (NM_000296.4); short protein forms R645fs.
Identifiers: ClinVar variation 5038151 (VCV005038151.1).